The following is an entry in ClinVar:

ClinVar aggregate classification (germline): Uncertain significance (1 of 4 stars; one submission).

Conditions:
Inborn genetic diseases. Identifiers: MedGen C0950123, MeSH D030342.

Submission:

Ambry Genetics
Classification: Uncertain significance for Inborn genetic diseases. Last evaluated: 2025-05-05. Review status: criteria provided, single submitter. Criteria: Ambry Variant Classification Scheme 2023. Collection method: clinical testing. Allele origin: germline.
Comment: The p.R86C variant (also known as c.256C>T), located in coding exon 2 of the GATA2 gene, results from a C to T substitution at nucleotide position 256. The arginine at codon 86 is replaced by cysteine, an amino acid with highly dissimilar properties. This amino acid position is highly conserved in available vertebrate species. In addition, this alteration is predicted to be deleterious by in silico analysis. Based on the available evidence, the clinical significance of this variant remains unclear.

NM_032638.5(GATA2):c.256C>T (p.Arg86Cys)

Gene: GATA2 (GATA binding protein 2; minus strand). Cytogenetic location: 3q21.3.
Variant type: single nucleotide variant.
Coding change: c.256C>T on transcript NM_032638.5 (MANE Select); coding-DNA position 256, C replaced by T.
Protein change: p.Arg86Cys; replaces arginine 86 with cysteine.
Molecular consequence: missense variant.
Genome position (GRCh38, 1-based): chr3:128,486,342, G>A on the plus strand (C>T on the coding strand, the complement: GATA2 is on the minus strand). VCF-style: chr3-128486342-G-A. GRCh37 (hg19) VCF-style: chr3-128205185-G-A.
Other names: c.256C>T, p.Arg86Cys (NM_001145661.2, NM_001145662.1); short protein forms R86C.
Identifiers: ClinVar variation 4028463 (VCV004028463.1).
Genomic context (GRCh38, chr3:128,486,342, plus strand): 5'-AGAGGGCTGCTTTGCCCCCGTCCAGCCAGGGCAAACCCGGGCTGTGCAACAAGTGTGGGC[G>A]GCACATCTGGCCTCCGGTCAGGCGGGCTGCGGGCAAAGAGAGAGAGGATCAGGGTGGGCA-3'
Protein context (NP_116027.2, residues 76-96): HARLTGGQMC[Arg86Cys]PHLLHSPGLP